The following is an entry in ClinVar:

NM_030928.4(CDT1):c.1108C>G (p.Leu370Val)

Gene: CDT1 (chromatin licensing and DNA replication factor 1; plus strand). Cytogenetic location: 16q24.3.
Variant type: single nucleotide variant.
Coding change: c.1108C>G on transcript NM_030928.4 (MANE Select); coding-DNA position 1108, C replaced by G.
Protein change: p.Leu370Val; replaces leucine 370 with valine.
Molecular consequence: missense variant.
Genome position (GRCh38, 1-based): chr16:88,806,660, C>G. VCF-style: chr16-88806660-C-G. GRCh37 (hg19) VCF-style: chr16-88873068-C-G.
Other names: c.1108C>G (NM_030928.3); short protein forms L370V.
Identifiers: ClinVar variation 998463 (VCV000998463.8), dbSNP rs370716489, ClinGen allele CA286418931.
Genomic context (GRCh38, chr16:88,806,660, plus strand): 5'-CAGCCACCCGCCACGGAGAAGCTCACCACTGCTCAGGAGGTGCTGGCCCGGGCCCGCAAC[C>G]TGATTTCACCCAGGGTGAGACTGCGAGGCTTGGGCAGCCCATTTCTCCCGGGTGGGTGGG-3'
Protein context (NP_112190.2, residues 360-380): AQEVLARARN[Leu370Val]ISPRMEKALS

ClinVar aggregate classification (germline): Uncertain significance. Review status: criteria provided, multiple submitters, no conflicts (2 of 4 stars). 2 submissions from 2 submitters: Uncertain significance (2). Last evaluated 2025-09-01.

Conditions:
Inborn genetic diseases. Identifiers: MedGen C0950123, MeSH D030342.

Allele frequency attached by ClinVar (database versions not stated): gnomAD 0.00002; TOPMed 0.00002; ESP Exome Variant Server 0.00008.
gnomAD v4.1: 19 of 1,608,626 alleles (0.0012%); highest among the groups gnomAD compares: Non-Finnish European, 0.0015%; no homozygotes.

Submissions (2):

Ambry Genetics
Classification: Uncertain significance for Inborn genetic diseases. Last evaluated: 2025-09-01. Review status: criteria provided, single submitter. Criteria: Ambry Variant Classification Scheme 2023. Collection method: clinical testing. Allele origin: germline.

Labcorp Genetics (formerly Invitae), Labcorp
Classification: Uncertain significance. Last evaluated: 2020-01-05. Review status: criteria provided, single submitter. Criteria: Invitae Variant Classification Sherloc (09022015). Collection method: clinical testing. Allele origin: germline.
Comment: In summary, the available evidence is currently insufficient to determine the role of this variant in disease. Therefore, it has been classified as a Variant of Uncertain Significance. Algorithms developed to predict the effect of sequence changes on RNA splicing suggest that this variant may create or strengthen a splice site, but this prediction has not been confirmed by published transcriptional studies. Algorithms developed to predict the effect of missense changes on protein structure and function are either unavailable or do not agree on the potential impact of this missense change (SIFT: "Tolerated"; PolyPhen-2: "Possibly Damaging"; Align-GVGD: "Class C0"). This variant has not been reported in the literature in individuals with CDT1-related conditions. This variant is not present in population databases (ExAC no frequency). This sequence change replaces leucine with valine at codon 370 of the CDT1 protein (p.Leu370Val). The leucine residue is moderately conserved and there is a small physicochemical difference between leucine and valine.